The following is an entry in ClinVar:

ClinVar aggregate classification (germline): Likely benign. Review status: criteria provided, multiple submitters, no conflicts (2 of 4 stars). 3 submissions from 3 submitters: Likely benign (3). Last evaluated 2025-09-04.

Conditions:
GP1BB-related disorder. Also called: GP1BB-related condition.

Allele frequency attached by ClinVar (database versions not stated): TOPMed 0.00009; gnomAD 0.00019; gnomAD exomes 0.00025.

Submissions (3):

PreventionGenetics, part of Exact Sciences
Classification: Likely benign for GP1BB-related condition. Last evaluated: 2025-09-04. Review status: criteria provided, single submitter. Criteria: ACMG Guidelines, 2015. Collection method: clinical testing. Allele origin: germline.
Comment: This variant is classified as likely benign based on ACMG/AMP sequence variant interpretation guidelines (Richards et al. 2015 PMID: 25741868, with internal and published modifications).

Blueprint Genetics
Classification: Likely benign. Last evaluated: 2024-11-27. Review status: criteria provided, single submitter. Criteria: ACMG Guidelines, 2015. Collection method: clinical testing. Allele origin: germline.

Labcorp Genetics (formerly Invitae), Labcorp
Classification: Likely benign. Last evaluated: 2018-07-07. Review status: criteria provided, single submitter. Criteria: Invitae Variant Classification Sherloc (09022015). Collection method: clinical testing. Allele origin: germline.

NM_000407.5(GP1BB):c.324C>G (p.Pro108=)

Genes: GP1BB (glycoprotein Ib platelet subunit beta; plus strand), SEPT5-GP1BB (SEPT5-GP1BB readthrough; plus strand). Cytogenetic location: 22q11.21.
Variant type: single nucleotide variant.
Coding change: c.324C>G on transcript NM_000407.5 (MANE Select); coding-DNA position 324, C replaced by G.
Protein change: p.Pro108=; no amino-acid change (proline 108 retained).
Molecular consequence: synonymous variant. On other transcripts: non-coding transcript variant (2).
Genome position (GRCh38, 1-based): chr22:19,724,167, C>G. VCF-style: chr22-19724167-C-G. GRCh37 (hg19) VCF-style: chr22-19711690-C-G.
Identifiers: ClinVar variation 757529 (VCV000757529.5), dbSNP rs957598398, ClinGen allele CA322079988.
Genomic context (GRCh38, chr22:19,724,167, plus strand): 5'-CAACCCCTGGCGCTGCGACTGCCGCCTTGTGCCGCTGCGCGCCTGGCTGGCCGGCCGCCC[C>G]GAGCGTGCGCCCTACCGCGACCTGCGTTGCGTGGCGCCCCCAGCGCTGCGCGGCCGCCTG-3'
Protein context (NP_000398.1, residues 98-118): VPLRAWLAGR[Pro108=]ERAPYRDLRC